The following is an entry in ClinVar:

ClinVar aggregate classification (germline): Uncertain significance (1 of 4 stars; one submission).

Conditions:
Bethlem myopathy 1A. Also called: Bethlem myopathy 1; MYOPATHY, BENIGN CONGENITAL, WITH CONTRACTURES; Bethlem Muscular Dystrophy. Identifiers: Orphanet 610, MedGen CN029274, MONDO:0024530, OMIM 158810.

Submission:

Labcorp Genetics (formerly Invitae), Labcorp
Classification: Uncertain significance for Bethlem myopathy 1A. Last evaluated: 2025-01-20. Review status: criteria provided, single submitter. Criteria: Invitae Variant Classification Sherloc (09022015). Collection method: clinical testing. Allele origin: germline.
Comment: This sequence change replaces arginine, which is basic and polar, with proline, which is neutral and non-polar, at codon 885 of the COL6A1 protein (p.Arg885Pro). This variant is not present in population databases (gnomAD no frequency). This variant has not been reported in the literature in individuals affected with COL6A1-related conditions. Invitae Evidence Modeling of protein sequence and biophysical properties (such as structural, functional, and spatial information, amino acid conservation, physicochemical variation, residue mobility, and thermodynamic stability) has been performed for this missense variant. However, the output from this modeling did not meet the statistical confidence thresholds required to predict the impact of this variant on COL6A1 protein function. In summary, the available evidence is currently insufficient to determine the role of this variant in disease. Therefore, it has been classified as a Variant of Uncertain Significance.

NM_001848.3(COL6A1):c.2654G>C (p.Arg885Pro)

Gene: COL6A1 (collagen type VI alpha 1 chain; plus strand). Cytogenetic location: 21q22.3.
Variant type: single nucleotide variant.
Coding change: c.2654G>C on transcript NM_001848.3 (MANE Select); coding-DNA position 2654, G replaced by C.
Protein change: p.Arg885Pro; replaces arginine 885 with proline.
Molecular consequence: missense variant.
Genome position (GRCh38, 1-based): chr21:46,003,580, G>C. VCF-style: chr21-46003580-G-C. GRCh37 (hg19) VCF-style: chr21-47423494-G-C.
Other names: short protein forms R885P.
Identifiers: ClinVar variation 3632356 (VCV003632356.2).